The following is an entry in ClinVar:

NM_006231.4(POLE):c.79T>C (p.Ser27Pro)

Gene: POLE (DNA polymerase epsilon, catalytic subunit; minus strand). Cytogenetic location: 12q24.33.
Variant type: single nucleotide variant.
Coding change: c.79T>C on transcript NM_006231.4 (MANE Select); coding-DNA position 79, T replaced by C.
Protein change: p.Ser27Pro; replaces serine 27 with proline.
Molecular consequence: missense variant.
Genome position (GRCh38, 1-based): chr12:132,681,263, A>G on the plus strand (T>C on the coding strand, the complement: POLE is on the minus strand). VCF-style: chr12-132681263-A-G. GRCh37 (hg19) VCF-style: chr12-133257849-A-G.
Other names: short protein forms S27P.
Identifiers: ClinVar variation 2562948 (VCV002562948.5), dbSNP rs2136034847, ClinGen allele CA387370630.

ClinVar aggregate classification (germline): Uncertain significance. Review status: criteria provided, multiple submitters, no conflicts (2 of 4 stars). 2 submissions from 2 submitters: Uncertain significance (2). Last evaluated 2023-11-15.

Conditions:
Hereditary cancer-predisposing syndrome. Also called: Neoplastic Syndromes, Hereditary; Hereditary Cancer Syndrome; Hereditary neoplastic syndrome; Tumor predisposition. Identifiers: Orphanet 140162, MedGen C0027672, MeSH D009386, MONDO:0015356.

Submissions (2):

Labcorp Genetics (formerly Invitae), Labcorp
Classification: Uncertain significance. Last evaluated: 2023-11-15. Review status: criteria provided, single submitter. Criteria: Invitae Variant Classification Sherloc (09022015). Collection method: clinical testing. Allele origin: germline.
Comment: This sequence change replaces serine, which is neutral and polar, with proline, which is neutral and non-polar, at codon 27 of the POLE protein (p.Ser27Pro). This variant is not present in population databases (gnomAD no frequency). This variant has not been reported in the literature in individuals affected with POLE-related conditions. ClinVar contains an entry for this variant (Variation ID: 2562948). Advanced modeling of protein sequence and biophysical properties (such as structural, functional, and spatial information, amino acid conservation, physicochemical variation, residue mobility, and thermodynamic stability) performed at Invitae indicates that this missense variant is not expected to disrupt POLE protein function with a negative predictive value of 80%. In summary, the available evidence is currently insufficient to determine the role of this variant in disease. Therefore, it has been classified as a Variant of Uncertain Significance.

Ambry Genetics
Classification: Uncertain significance for Hereditary cancer-predisposing syndrome. Last evaluated: 2023-05-28. Review status: criteria provided, single submitter. Criteria: Ambry Variant Classification Scheme 2023. Collection method: clinical testing. Allele origin: germline.
Comment: The p.S27P variant (also known as c.79T>C), located in coding exon 2 of the POLE gene, results from a T to C substitution at nucleotide position 79. The serine at codon 27 is replaced by proline, an amino acid with similar properties. This amino acid position is conserved. In addition, this alteration is predicted to be tolerated by in silico analysis. Since supporting evidence is limited at this time, the clinical significance of this alteration remains unclear.